The following is an entry in ClinVar:

ClinVar aggregate classification (germline): Benign (1 of 4 stars; one submission).

Submission:

ISCA site 4
Classification: Benign. Last evaluated: 2011-08-12. Review status: criteria provided, single submitter. Criteria: Kaminsky et al. (Genet Med. 2011). Collection method: clinical testing. Allele origin: unknown. Affected: yes. Observed: 1 variant allele.
Comment: Copy number variation identified through the course of routine clinical cytogenomic testing in postnatal populations. Clinical assertions have been curated as described in Kaminsky et al. 2011.

GRCh38/hg38 21q21.3(chr21:28064166-28380676)x3

Genes: LINC01695 (long intergenic non-protein coding RNA 1695; minus strand), LINC01697 (long intergenic non-protein coding RNA 1697; plus strand). Cytogenetic location: 21q21.3.
Variant type: copy number gain.
Change: copy number 3 (three copies instead of two) of chr21:28,064,166-28,380,676 (316.5 kb, GRCh38 coordinates, 1-based), cytogenetic band 21q21.3.
Identifiers: ClinVar variation 59759 (VCV000059759.1).